The following is an entry in ClinVar:

ClinVar aggregate classification (germline): Pathogenic (1 of 4 stars; one submission).

Submission:

Labcorp Genetics (formerly Invitae), Labcorp
Classification: Pathogenic. Last evaluated: 2022-04-11. Review status: criteria provided, single submitter. Criteria: Invitae Variant Classification Sherloc (09022015). Collection method: clinical testing. Allele origin: germline.
Comment: This sequence change creates a premature translational stop signal (p.Thr236Ilefs*30) in the CNGA3 gene. While this is not anticipated to result in nonsense mediated decay, it is expected to disrupt the last 459 amino acid(s) of the CNGA3 protein. For these reasons, this variant has been classified as Pathogenic. This variant disrupts a region of the CNGA3 protein in which other variant(s) (p.Gln604*) have been determined to be pathogenic (PMID: 28341476; Invitae). This suggests that this is a clinically significant region of the protein, and that variants that disrupt it are likely to be disease-causing. This variant has not been reported in the literature in individuals affected with CNGA3-related conditions. This variant is not present in population databases (gnomAD no frequency).

Literature cited by the submitters: PubMed 28341476.

NM_001298.3(CNGA3):c.705_706dup (p.Thr236fs)

Gene: CNGA3 (cyclic nucleotide gated channel subunit alpha 3; plus strand). Cytogenetic location: 2q11.2.
Variant type: Duplication.
Coding change: c.705_706dup on transcript NM_001298.3 (MANE Select); coding-DNA positions 705 to 706, 2 bases duplicated (TA; older notation c.705_706dupTA).
Protein change: p.Thr236fs; shifts the reading frame from threonine 236.
Molecular consequence: frameshift variant.
Genome position (GRCh38, 1-based): chr2:98,395,875-98,395,876, TA duplicated; duplicating any 2 consecutive bases within chr2:98,395,874-98,395,876 gives the same sequence; the c. name uses the placement nearest the transcript's 3' end. VCF-style (leftmost placement, unchanged base first): chr2-98395873-G-GAT. GRCh37 (hg19) VCF-style: chr2-99012336-G-GAT.
Other names: c.651_652dup, p.Thr218fs (NM_001079878.2); short protein forms T218fs, T236fs.
Identifiers: ClinVar variation 2124911 (VCV002124911.4), dbSNP rs2467027252, ClinGen allele CA2580068350.